The following is an entry in ClinVar:

ClinVar aggregate classification (germline): Uncertain significance (1 of 4 stars; one submission).

Submission:

CeGaT Center for Human Genetics Tuebingen
Classification: Uncertain significance. Last evaluated: 2024-03-01. Review status: criteria provided, single submitter. Criteria: CeGaT Center For Human Genetics Tuebingen Variant Classification Criteria Version 2. Collection method: clinical testing. Allele origin: germline. Affected: yes. Observed: 1 variant allele.
Comment: PLXNB3: PM2

NM_005393.3(PLXNB3):c.5100+2T>C

Gene: PLXNB3 (plexin B3; plus strand). Cytogenetic location: Xq28.
Variant type: single nucleotide variant.
Coding change: c.5100+2T>C on transcript NM_005393.3 (MANE Select); the canonical splice donor site of the intron after coding-DNA position 5100, T replaced by C.
Molecular consequence: splice donor variant.
Genome position (GRCh38, 1-based): chrX:153,777,382, T>C. VCF-style: chrX-153777382-T-C. GRCh37 (hg19) VCF-style: chrX-153042837-T-C.
Other names: c.5169+2T>C (NM_001163257.2).
Identifiers: ClinVar variation 3067635 (VCV003067635.21), dbSNP rs2092008957, ClinGen allele CA415142021.
Genomic context (GRCh38, chrX:153,777,382, plus strand): 5'-AGCCAGCAAGGGCCAAGGCCATTCCGGAAATCTACCTCACCCGTCTGCTGTCCATGAAGG[T>C]TGGTGCGGCCTGGGTGGCTGGGCCTGAGAGGAGGCTCAGCCAGGGACCCCGACCGAGCCA-3'